The following is an entry in ClinVar:

ClinVar aggregate classification (germline): Likely pathogenic (1 of 4 stars; one submission).

Conditions:
Charcot-Marie-Tooth disease type 2. Also called: Charcot-Marie-Tooth type 2. Identifiers: Orphanet 64746, MedGen C0270914, MONDO:0018993.

Submission:

Labcorp Genetics (formerly Invitae), Labcorp
Classification: Likely pathogenic for Charcot-Marie-Tooth disease type 2. Last evaluated: 2023-12-21. Review status: criteria provided, single submitter. Criteria: Invitae Variant Classification Sherloc (09022015). Collection method: clinical testing. Allele origin: germline.
Comment: This sequence change replaces arginine, which is basic and polar, with glycine, which is neutral and non-polar, at codon 133 of the LMNA protein (p.Arg133Gly). This variant is not present in population databases (gnomAD no frequency). This missense change has been observed in individual(s) with autosomal dominant LMNA-related conditions and/or clinical features of arrhythmogenic cardiomyopathy (PMID: 27506821, 27884249; Invitae). Advanced modeling of protein sequence and biophysical properties (such as structural, functional, and spatial information, amino acid conservation, physicochemical variation, residue mobility, and thermodynamic stability) performed at Invitae indicates that this missense variant is expected to disrupt LMNA protein function with a positive predictive value of 95%. This variant disrupts the p.Arg133 amino acid residue in LMNA. Other variant(s) that disrupt this residue have been determined to be pathogenic (PMID: 12629077, 16174718, 31293201). This suggests that this residue is clinically significant, and that variants that disrupt this residue are likely to be disease-causing. In summary, the currently available evidence indicates that the variant is pathogenic, but additional data are needed to prove that conclusively. Therefore, this variant has been classified as Likely Pathogenic.

Literature cited by the submitters: PubMed 27506821; PubMed 27884249; PubMed 12629077; PubMed 16174718; PubMed 31293201.

NM_170707.4(LMNA):c.397C>G (p.Arg133Gly)

Genes: LMNA (lamin A/C; plus strand), LOC126805877 (MED14-independent group 3 enhancer GRCh37_chr1:156099693-156100892; plus strand). Cytogenetic location: 1q22.
Variant type: single nucleotide variant.
Coding change: c.397C>G on transcript NM_170707.4 (MANE Select); coding-DNA position 397, C replaced by G.
Protein change: p.Arg133Gly; replaces arginine 133 with glycine.
Molecular consequence: missense variant. On other transcripts: 5 prime UTR variant (7), intron variant (4).
Genome position (GRCh38, 1-based): chr1:156,130,657, C>G. VCF-style: chr1-156130657-C-G. GRCh37 (hg19) VCF-style: chr1-156100448-C-G.
Other names: c.61C>G, p.Arg21Gly (NM_001257374.3, NM_001406998.1, NM_001406989.1); c.154C>G, p.Arg52Gly (NM_001282624.2, NM_001406986.1, NM_001406987.1); c.397C>G, p.Arg133Gly (NM_001282625.2, NM_001282626.2, NM_005572.4 and 6 more transcripts); c.-162C>G (NM_001406996.1, NM_001406997.1, NM_001407003.1 and 1 more transcripts); c.-268C>G (NM_001406999.1, NM_001407000.1, NM_001406994.1); c.-45-3746C>G (NM_001407002.1, NM_001406995.1, NM_001406990.1); c.-151-3746C>G (NM_001407001.1); c.100C>G, p.Arg34Gly (NM_001406988.1); short protein forms R34G, R52G, R21G, R133G.
Identifiers: ClinVar variation 2733992 (VCV002733992.3), dbSNP rs1650974818, ClinGen allele CA342815176.